The following is an entry in ClinVar:

ClinVar aggregate classification (germline): Pathogenic (1 of 4 stars; one submission).

Conditions:
Combined oxidative phosphorylation defect type 14. Also called: Combined oxidative phosphorylation deficiency 14. Identifiers: Orphanet 319519, MedGen C4755312, MONDO:0013986, OMIM 614946.

Submission:

Labcorp Genetics (formerly Invitae), Labcorp
Classification: Pathogenic for Combined oxidative phosphorylation defect type 14. Last evaluated: 2022-06-05. Review status: criteria provided, single submitter. Criteria: Invitae Variant Classification Sherloc (09022015). Collection method: clinical testing. Allele origin: germline.
Comment: This sequence change creates a premature translational stop signal (p.Asp142Alafs*5) in the FARS2 gene. It is expected to result in an absent or disrupted protein product. Loss-of-function variants in FARS2 are known to be pathogenic (PMID: 22833457). This variant is not present in population databases (gnomAD no frequency). This variant has not been reported in the literature in individuals affected with FARS2-related conditions. ClinVar contains an entry for this variant (Variation ID: 1375428). For these reasons, this variant has been classified as Pathogenic.

Literature cited by the submitters: PubMed 22833457.

NM_006567.5(FARS2):c.425del (p.Asp142fs)

Genes: FARS2 (phenylalanyl-tRNA synthetase 2, mitochondrial; plus strand), LOC126859565 (CDK7 strongly-dependent group 2 enhancer GRCh37_chr6:5368745-5369944; plus strand). Cytogenetic location: 6p25.1.
Variant type: Deletion.
Coding change: c.425del on transcript NM_006567.5 (MANE Select); coding-DNA position 425, one base deleted (A; older notation c.425delA).
Protein change: p.Asp142fs; shifts the reading frame from aspartic acid 142.
Molecular consequence: frameshift variant. On other transcripts: intron variant (2).
Genome position (GRCh38, 1-based): chr6:5,368,995, A deleted. VCF-style (leftmost placement, unchanged base first): chr6-5368994-GA-G. GRCh37 (hg19) VCF-style: chr6-5369227-GA-G.
Other names: c.425del, p.Asp142fs (NM_001318872.2, NM_001374875.1, NM_001374876.1 and 5 more transcripts); c.-340-27638del (NM_001375260.1); c.-84-35547del (NM_001375259.1); short protein forms D142fs.
Identifiers: ClinVar variation 1375428 (VCV001375428.6), dbSNP rs2127643855, ClinGen allele CA2573140834.